The following is an entry in ClinVar:

NM_000548.5(TSC2):c.162C>G (p.Leu54=)

Gene: TSC2 (TSC complex subunit 2; plus strand). Cytogenetic location: 16p13.3.
Variant type: single nucleotide variant.
Coding change: c.162C>G on transcript NM_000548.5 (MANE Select); coding-DNA position 162, C replaced by G.
Protein change: p.Leu54=; no amino-acid change (leucine 54 retained).
Molecular consequence: synonymous variant. On other transcripts: 5 prime UTR variant (20), non-coding transcript variant (5).
Genome position (GRCh38, 1-based): chr16:2,050,423, C>G. VCF-style: chr16-2050423-C-G. GRCh37 (hg19) VCF-style: chr16-2100424-C-G.
Other names: c.162C>G, p.Leu54= (NM_001077183.3, NM_001114382.3, NM_001318827.2 and 13 more transcripts); c.15C>G, p.Leu5= (NM_001318829.2, NM_001406675.1, NM_001406676.1 and 2 more transcripts); c.-65C>G (NM_001318831.2, NM_001406682.1, NM_001406684.1 and 3 more transcripts); c.195C>G, p.Leu65= (NM_001318832.2); c.-655C>G (NM_001406680.1, NM_001406683.1, NM_001406687.1); c.-284C>G (NM_001406681.1); c.-1270C>G (NM_001406689.1, NM_001406690.1, NM_001406691.1 and 2 more transcripts); c.-1576C>G (NM_001406693.1); and 3 more.
Identifiers: ClinVar variation 4071358 (VCV004071358.1).
Genomic context (GRCh38, chr16:2,050,423, plus strand): 5'-AGCACTGGCCCCTTTTTCTTCTTTCATCTCTCTCCAGGAACTGAGCATGGAATGTGGCCT[C>G]AACAATCGCATCCGGATGATAGGGCAGATTTGTGAAGTCGCAAAAACCAAGAAATTTGAA-3'
Protein context (NP_000539.2, residues 44-64): ILRELSMECG[Leu54=]NNRIRMIGQI

ClinVar aggregate classification (germline): Benign (1 of 4 stars; one submission).

Conditions:
Tuberous sclerosis 2 (TSC2). Identifiers: Orphanet 805, MedGen C1860707, MONDO:0013199, OMIM 613254.

Submission:

Myriad Genetics, Inc.
Classification: Benign for Tuberous sclerosis 2. Last evaluated: 2025-04-30. Review status: criteria provided, single submitter. Criteria: Myriad Autosomal Dominant, Autosomal Recessive and X-Linked Classification Criteria (2023). Collection method: clinical testing. Allele origin: unknown.
Comment: This variant is considered benign. This variant is a silent/synonymous amino acid change and it is not expected to impact splicing.